The following is an entry in ClinVar:

ClinVar aggregate classification (germline): Uncertain significance (1 of 4 stars; one submission).

Submission:

GeneDx
Classification: Uncertain significance. Last evaluated: 2024-04-17. Review status: criteria provided, single submitter. Criteria: GeneDx Variant Classification Process June 2021. Collection method: clinical testing. Allele origin: germline. Affected: yes.
Comment: Has not been previously published as pathogenic or benign to our knowledge; Not observed at significant frequency in large population cohorts (gnomAD); In silico analysis indicates that this variant does not alter protein structure/function

NM_005554.4(KRT6A):c.1680_1681delinsTT (p.Lys560_Ser561delinsAsnCys)

Gene: KRT6A (keratin 6A; minus strand). Cytogenetic location: 12q13.13.
Variant type: Indel.
Coding change: c.1680_1681delinsTT on transcript NM_005554.4 (MANE Select); coding-DNA positions 1680 to 1681, GA replaced by TT.
Protein change: p.Lys560_Ser561delinsAsnCys.
Molecular consequence: missense variant.
Genome position (GRCh38, 1-based): chr12:52,487,734-52,487,735, TC replaced by AA on the plus strand (GA replaced by TT on the coding strand, the reverse complement: KRT6A is on the minus strand). VCF-style: chr12-52487734-TC-AA. GRCh37 (hg19) VCF-style: chr12-52881518-TC-AA.
Identifiers: ClinVar variation 3372596 (VCV003372596.1).
Genomic context (GRCh38, chr12:52,487,734, plus strand): 5'-AGAGAGGGGCCTGAGGACTGTGGGACCGAGAGCTAGCAGACGCACTTTAGTGCTTATAGC[TC>AA]TTCCTGCTGGAGGAGGAGGTGGTGGTGTACTTGATGGTGGAACTGCCGCCTCCAACAGAG-3'